The following is an entry in ClinVar:

ClinVar aggregate classification (germline): Uncertain significance (1 of 4 stars; one submission).

Conditions:
Inborn genetic diseases. Identifiers: MedGen C0950123, MeSH D030342.

Submission:

Ambry Genetics
Classification: Uncertain significance for Inborn genetic diseases. Last evaluated: 2026-08-02. Review status: criteria provided, single submitter. Criteria: Ambry Variant Classification Scheme 2023. Collection method: clinical testing. Allele origin: germline.
Comment: The p.S490L variant (also known as c.1469C>T), located in coding exon 11 of the CEP57 gene, results from a C to T substitution at nucleotide position 1469. The serine at codon 490 is replaced by leucine, an amino acid with dissimilar properties. This amino acid position is conserved. In addition, this alteration is predicted to be tolerated by in silico analysis. Based on the available evidence, the clinical significance of this variant remains unclear.

NM_014679.5(CEP57):c.1469C>T (p.Ser490Leu)

Gene: CEP57 (centrosomal protein 57; plus strand). Cytogenetic location: 11q21.
Variant type: single nucleotide variant.
Coding change: c.1469C>T on transcript NM_014679.5 (MANE Select); coding-DNA position 1469, C replaced by T.
Protein change: p.Ser490Leu; replaces serine 490 with leucine.
Molecular consequence: missense variant.
Genome position (GRCh38, 1-based): chr11:95,831,222, C>T. VCF-style: chr11-95831222-C-T. GRCh37 (hg19) VCF-style: chr11-95564386-C-T.
Other names: c.1442C>T, p.Ser481Leu (NM_001243776.2); c.1271C>T, p.Ser424Leu (NM_001440877.1, NM_001440878.1); c.1244C>T, p.Ser415Leu (NM_001440879.1); c.1208C>T, p.Ser403Leu (NM_001440880.1); c.1172C>T, p.Ser391Leu (NM_001440881.1); c.1166C>T, p.Ser389Leu (NM_001440882.1); c.1391C>T, p.Ser464Leu (NM_001243777.2); c.1388C>T, p.Ser463Leu (NM_001363604.2, NM_001440869.1, NM_001440870.1); and 6 more; short protein forms S430L, S451L, S389L, S415L, S428L, S464L, S490L, S391L.
Identifiers: ClinVar variation 5034380 (VCV005034380.1).
Genomic context (GRCh38, chr11:95,831,222, plus strand): 5'-CTGGAGAAAAAAGGAGAAAAAATCTTCAGTTATTGAAGGACATGCAAAGCATACAGAATT[C>T]ATTACAAAGCAGTAGTTTGTGTTGGGATTACTGACTCATAACCAGGTCAGAAATTTTATT-3'
Protein context (NP_055494.2, residues 480-500): LLKDMQSIQN[Ser490Leu]LQSSSLCWDY